The following is an entry in ClinVar:

ClinVar aggregate classification (germline): Uncertain significance. Review status: criteria provided, multiple submitters, no conflicts (2 of 4 stars). 2 submissions from 2 submitters: Uncertain significance (2). Last evaluated 2025-10-29.

Conditions:
Hereditary cancer-predisposing syndrome. Also called: Tumor predisposition; Hereditary neoplastic syndrome; Neoplastic Syndromes, Hereditary; Hereditary Cancer Syndrome. Identifiers: Orphanet 140162, MedGen C0027672, MeSH D009386, MONDO:0015356.

Allele frequency attached by ClinVar (database versions not stated): gnomAD exomes below 0.00001; ExAC 0.00001; gnomAD 0.00001.
gnomAD v4.1: 4 of 1,612,684 alleles (0.00025%); highest among the groups gnomAD compares: Non-Finnish European, 0.00034%; no homozygotes.

Submissions (2):

Labcorp Genetics (formerly Invitae), Labcorp
Classification: Uncertain significance. Last evaluated: 2025-10-29. Review status: criteria provided, single submitter. Criteria: Invitae Variant Classification Sherloc (09022015). Collection method: clinical testing. Allele origin: germline.
Comment: This sequence change replaces threonine, which is neutral and polar, with alanine, which is neutral and non-polar, at codon 493 of the FH protein (p.Thr493Ala). This variant is present in population databases (rs777256203, gnomAD 0.0009%). This variant has not been reported in the literature in individuals affected with FH-related conditions. ClinVar contains an entry for this variant (Variation ID: 847543). Invitae Evidence Modeling of protein sequence and biophysical properties (such as structural, functional, and spatial information, amino acid conservation, physicochemical variation, residue mobility, and thermodynamic stability) indicates that this missense variant is expected to disrupt FH protein function with a positive predictive value of 80%. In summary, the available evidence is currently insufficient to determine the role of this variant in disease. Therefore, it has been classified as a Variant of Uncertain Significance.

Ambry Genetics
Classification: Uncertain significance for Hereditary cancer-predisposing syndrome. Last evaluated: 2025-01-10. Review status: criteria provided, single submitter. Criteria: Ambry Variant Classification Scheme 2023. Collection method: clinical testing. Allele origin: germline.
Comment: The p.T493A variant (also known as c.1477A>G), located in coding exon 10 of the FH gene, results from an A to G substitution at nucleotide position 1477. The threonine at codon 493 is replaced by alanine, an amino acid with similar properties. This amino acid position is well conserved in available vertebrate species. In addition, the in silico prediction for this alteration is inconclusive. Since supporting evidence is limited at this time, the clinical significance of this alteration remains unclear.

NM_000143.4(FH):c.1477A>G (p.Thr493Ala)

Gene: FH (fumarate hydratase; minus strand). Cytogenetic location: 1q43.
Variant type: single nucleotide variant.
Coding change: c.1477A>G on transcript NM_000143.4 (MANE Select); coding-DNA position 1477, A replaced by G.
Protein change: p.Thr493Ala; replaces threonine 493 with alanine.
Molecular consequence: missense variant.
Genome position (GRCh38, 1-based): chr1:241,497,884, T>C on the plus strand (A>G on the coding strand, the complement: FH is on the minus strand). VCF-style: chr1-241497884-T-C. GRCh37 (hg19) VCF-style: chr1-241661184-T-C.
Other names: short protein forms T493A.
Identifiers: ClinVar variation 847543 (VCV000847543.12), dbSNP rs777256203, ClinGen allele CA1478430.